The following is an entry in ClinVar:

NM_002303.6(LEPR):c.2674-5860del

Gene: LEPR (leptin receptor; plus strand). Cytogenetic location: 1p31.3.
Variant type: Deletion.
Coding change: c.2674-5860del on transcript NM_002303.6 (MANE Select); 5860 bases into the intron before coding-DNA position 2674, one base deleted (T; older notation c.2674-5860delT).
Molecular consequence: intron variant. On other transcripts: frameshift variant (3).
Genome position (GRCh38, 1-based): chr1:65,630,331, T deleted; the last of 3 consecutive T bases (chr1:65,630,329-65,630,331); deleting any one gives the same sequence. VCF-style (leftmost placement, unchanged base first): chr1-65630328-GT-G. GRCh37 (hg19) VCF-style: chr1-66096011-GT-G.
Other names: c.2803del, p.Tyr935fs (NM_001003680.3, NM_001198687.2); c.2674-2821del (NM_001003679.3, NM_001198689.2); c.2803delT (NM_001003680.3); short protein forms Y935fs.
Identifiers: ClinVar variation 4991306 (VCV004991306.1).
Genomic context (GRCh38, chr1:65,630,328, plus strand): 5'-AAACACTGCGGAAGGCCACAGGGTCCTCTGCATAGGAAAACCAGAGACCTTTGTTCACTT[GT>G]TTATCTGCTGACCCTCCCTCCACTATTGTCCTATGACCCTGCCAAATCCCCCTCTGTGAG-3'

ClinVar aggregate classification (germline): Uncertain significance (1 of 4 stars; one submission).

Conditions:
LEPR-related disorder. Also called: LEPR-related condition; LEPR-related disorders.

Submission:

PreventionGenetics, part of Exact Sciences
Classification: Uncertain significance for LEPR-related condition. Last evaluated: 2026-09-15. Review status: criteria provided, single submitter. Criteria: ACMG Guidelines, 2015. Collection method: clinical testing. Allele origin: germline.
Comment: The LEPR c.2803delT variant is predicted to result in a frameshift and premature protein termination (p.Tyr935Ilefs*3). On the MANE Select transcript (NM_002303), this variant is referred to as c.2674-5860delT (Intronic). To our knowledge, this variant has not been reported in the literature or in a large population database (gnomAD), indicating this variant is rare. At this time, the clinical significance of this variant is uncertain due to the absence of conclusive functional and genetic evidence.